The following is an entry in ClinVar:

ClinVar aggregate classification (germline): Uncertain significance (1 of 4 stars; one submission).

Submission:

Women's Health and Genetics/Laboratory Corporation of America, LabCorp
Classification: Uncertain significance. Last evaluated: 2026-04-14. Review status: criteria provided, single submitter. Criteria: LabCorp Variant Classification Summary - May 2015. Collection method: clinical testing. Allele origin: germline.
Comment: Variant summary: ADGRL1 c.1396C>T (p.Arg466Trp) results in a non-conservative amino acid change in the encoded protein sequence. Algorithms developed to predict the effect of missense changes on protein structure and function are either unavailable or do not agree on the potential impact of this missense change. The frequency data for this variant in gnomAD is considered unreliable, as metrics indicate poor data quality at this position. To our knowledge, no occurrence of c.1396C>T in individuals affected with ADGRL1-related conditions and no experimental evidence demonstrating its impact on protein function have been reported. No submitters have cited clinical-significance assessments for this variant to ClinVar. Based on the evidence outlined above, the variant was classified as uncertain significance.

NM_014921.5(ADGRL1):c.1381C>T (p.Arg461Trp)

Genes: ADGRL1 (adhesion G protein-coupled receptor L1; minus strand), ADGRL1-AS1 (ADGRL1 antisense RNA 1; plus strand). Cytogenetic location: 19p13.12.
Variant type: single nucleotide variant.
Coding change: c.1381C>T on transcript NM_014921.5 (MANE Select); coding-DNA position 1381, C replaced by T.
Protein change: p.Arg461Trp; replaces arginine 461 with tryptophan.
Molecular consequence: missense variant.
Genome position (GRCh38, 1-based): chr19:14,161,441, G>A on the plus strand (C>T on the coding strand, the complement: ADGRL1 is on the minus strand). VCF-style: chr19-14161441-G-A. GRCh37 (hg19) VCF-style: chr19-14272253-G-A.
Other names: c.1396C>T, p.Arg466Trp (NM_001008701.3); short protein forms R461W, R466W.
Identifiers: ClinVar variation 4848574 (VCV004848574.1).
Genomic context (GRCh38, chr19:14,161,441, plus strand): 5'-GTACCTCTCGGGGCTCGCAGAAGAGCTCAGGGGACACGTGTAGATTCGGGGCTGGGGGCC[G>A]CCGGGTGCTGGGGACTGGGGCTGTGGCTGGAGGCAGATCAGGTCCCAGCTGGTTGATGGC-3'
Protein context (NP_055736.2, residues 451-471): PATAPVPSTR[Arg461Trp]PPAPNLHVSP